The following is an entry in ClinVar:

ClinVar aggregate classification (germline): Uncertain significance (1 of 4 stars; one submission).

Conditions:
Bethlem myopathy 1A. Also called: Bethlem myopathy 1; Bethlem Muscular Dystrophy; MYOPATHY, BENIGN CONGENITAL, WITH CONTRACTURES. Identifiers: Orphanet 610, MedGen CN029274, MONDO:0024530, OMIM 158810.

Submission:

Labcorp Genetics (formerly Invitae), Labcorp
Classification: Uncertain significance for Bethlem myopathy 1A. Last evaluated: 2021-09-10. Review status: criteria provided, single submitter. Criteria: Invitae Variant Classification Sherloc (09022015). Collection method: clinical testing. Allele origin: germline.
Comment: This sequence change replaces alanine with aspartic acid at codon 1502 of the COL6A3 protein (p.Ala1502Asp). The alanine residue is moderately conserved and there is a moderate physicochemical difference between alanine and aspartic acid. This variant is not present in population databases (ExAC no frequency). This variant has not been reported in the literature in individuals affected with COL6A3-related conditions. Advanced modeling of protein sequence and biophysical properties (such as structural, functional, and spatial information, amino acid conservation, physicochemical variation, residue mobility, and thermodynamic stability) performed at Invitae indicates that this missense variant is not expected to disrupt COL6A3 protein function. In summary, the available evidence is currently insufficient to determine the role of this variant in disease. Therefore, it has been classified as a Variant of Uncertain Significance.

NM_004369.4(COL6A3):c.4505C>A (p.Ala1502Asp)

Gene: COL6A3 (collagen type VI alpha 3 chain; minus strand). Cytogenetic location: 2q37.3.
Variant type: single nucleotide variant.
Coding change: c.4505C>A on transcript NM_004369.4 (MANE Select); coding-DNA position 4505, C replaced by A.
Protein change: p.Ala1502Asp; replaces alanine 1502 with aspartic acid.
Molecular consequence: missense variant.
Genome position (GRCh38, 1-based): chr2:237,368,958, G>T on the plus strand (C>A on the coding strand, the complement: COL6A3 is on the minus strand). VCF-style: chr2-237368958-G-T. GRCh37 (hg19) VCF-style: chr2-238277601-G-T.
Other names: c.2684C>A, p.Ala895Asp (NM_057166.5); c.3887C>A, p.Ala1296Asp (NM_057167.4); short protein forms A1502D, A1296D, A895D.
Identifiers: ClinVar variation 1368942 (VCV001368942.6), dbSNP rs2106353091, ClinGen allele CA351193187.